The following is an entry in ClinVar:

ClinVar aggregate classification (germline): Benign/Likely benign. Review status: criteria provided, multiple submitters, no conflicts (2 of 4 stars). 6 submissions from 6 submitters: Benign (5); Likely benign (1). Last evaluated 2018-01-13.

Conditions:
Sarcoglycanopathy. Identifiers: Orphanet 207052, MedGen C2936331, MONDO:0016140.

Allele frequency attached by ClinVar (database versions not stated): gnomAD exomes 0.04156 and 0.04191; ExAC 0.04306; gnomAD 0.05337 and 0.05421; ESP Exome Variant Server 0.05690; TOPMed 0.05752; 1000 Genomes Project 30x 0.06918; 1000 Genomes Project 0.07029.

Submissions (6):

Illumina Laboratory Services, Illumina
Classification: Benign for Sarcoglycanopathy. Last evaluated: 2018-01-13. Review status: criteria provided, single submitter. Criteria: ICSL Variant Classification Criteria 13 December 2019. Collection method: clinical testing. Allele origin: germline.
Comment: This variant was observed in the ICSL laboratory as part of a predisposition screen in an ostensibly healthy population. It had not been previously curated by ICSL or reported in the Human Gene Mutation Database (HGMD: prior to June 1st, 2018), and was therefore a candidate for classification through an automated scoring system. Utilizing variant allele frequency, disease prevalence and penetrance estimates, and inheritance mode, an automated score was calculated to assess if this variant is too frequent to cause the disease. Based on the score and internal cut-off values, a variant classified as benign is not then subjected to further curation. The score for this variant resulted in a classification of benign for this disease.

GeneDx
Classification: Benign. Last evaluated: 2016-02-23. Review status: criteria provided, single submitter. Criteria: GeneDx Variant Classification (06012015). Collection method: clinical testing. Allele origin: germline. Affected: yes.
Comment: This variant is considered likely benign or benign based on one or more of the following criteria: it is a conservative change, it occurs at a poorly conserved position in the protein, it is predicted to be benign by multiple in silico algorithms, and/or has population frequency not consistent with disease.

Laboratory for Molecular Medicine, Mass General Brigham Personalized Medicine
Classification: Benign. Last evaluated: 2015-01-13. Review status: criteria provided, single submitter. Criteria: LMM Criteria. Collection method: clinical testing. Allele origin: germline. Observed: 1 variant allele.
Comment: c.*13C>T in exon 8 of SGCG: This variant is not expected to have clinical signif icance because it has been identified in 8.5% (373/4406) of African American chr omosomes from a broad population by the NHLBI Exome Sequencing Project (dbSNP rs9510701).

Eurofins Ntd Llc (ga)
Classification: Benign. Last evaluated: 2013-09-19. Review status: criteria provided, single submitter. Criteria: EGL Classification Definitions 2015. Collection method: clinical testing. Allele origin: germline. Observed: 9 variant alleles, 8 heterozygotes, 1 homozygote.

Breakthrough Genomics
Classification: Likely benign. Review status: criteria provided, single submitter. Criteria: ACMG Guidelines, 2015. Collection method: not provided. Allele origin: germline. Inheritance: Autosomal recessive inheritance. Affected: yes.

PreventionGenetics, part of Exact Sciences
Classification: Benign. Review status: criteria provided, single submitter. Criteria: ACMG Guidelines, 2015. Collection method: clinical testing. Allele origin: germline.

NM_000231.3(SGCG):c.*13C>T

Gene: SGCG (sarcoglycan gamma; plus strand). Cytogenetic location: 13q12.12.
Variant type: single nucleotide variant.
Coding change: c.*13C>T on transcript NM_000231.3 (MANE Select); 13 bases downstream of the stop codon, C replaced by T.
Molecular consequence: 3 prime UTR variant.
Genome position (GRCh38, 1-based): chr13:23,324,554, C>T. VCF-style: chr13-23324554-C-T. GRCh37 (hg19) VCF-style: chr13-23898693-C-T.
Other names: c.*13C>T (NM_001378244.1, NM_001378245.1, NM_001378246.1).
Identifiers: ClinVar variation 92652 (VCV000092652.16), dbSNP rs9510701, ClinGen allele CA145896.